The following is an entry in ClinVar:

ClinVar aggregate classification (germline): Uncertain significance (1 of 4 stars; one submission).

Conditions:
X-linked sideroblastic anemia 1. Also called: ANEMIA, SIDEROBLASTIC, 1, PYRIDOXINE REFRACTORY; Anemia, hereditary sideroblastic 1, pyridoxine refractory; Anemia, sideroblastic, 1; Erythroid 5-aminolevulinate synthase deficiency; X chromosome-linked sideroblastic anemia; X-linked pyridoxine-refractory sideroblastic anemia. Identifiers: Orphanet 75563, MedGen C4551511, MONDO:0020721, OMIM 300751. Disease mechanism: loss of function.

Allele frequency attached by ClinVar (database versions not stated): gnomAD exomes below 0.00001.
gnomAD v4.1: 1 of 1,150,557 alleles (0.000087%); highest among the groups gnomAD compares: Non-Finnish European, 0.00012%; no homozygotes.

Submission:

Genetics and Molecular Pathology, SA Pathology
Classification: Uncertain significance for X-linked sideroblastic anemia 1. Last evaluated: 2023-04-17. Review status: criteria provided, single submitter. Criteria: ACMG Guidelines, 2015. Collection method: clinical testing. Allele origin: germline. Inheritance: X-linked inheritance. Affected: yes.
Comment: The ALAS2 c.-15-1829T>C variant is classified as a VARIANT OF UNCERTAIN SIGNIFICANCE (PM2) ALAS2 c.-15-1829T>C is located in intron 1/10. This variant is absent from population databases (PM2). This variant has not been reported in dbSNP, ClinVar or HGMD.

NM_000032.5(ALAS2):c.-15-1829T>C

Genes: ALAS2 (5'-aminolevulinate synthase 2; minus strand), LOC108663984 (ALAS2 intron 1 and 3 erythroid regulatory elements; plus strand). Cytogenetic location: Xp11.21.
Variant type: single nucleotide variant.
Coding change: c.-15-1829T>C on transcript NM_000032.5 (MANE Select); 1829 bases into the intron before 15 bases upstream of the start codon, T replaced by C.
Molecular consequence: intron variant. On other transcripts: 5 prime UTR variant (1).
Genome position (GRCh38, 1-based): chrX:55,027,844, A>G on the plus strand (T>C on the coding strand, the complement: ALAS2 is on the minus strand). VCF-style: chrX-55027844-A-G. GRCh37 (hg19) VCF-style: chrX-55054277-A-G.
Other names: c.-37T>C (NM_001037968.4); c.-15-1829T>C (NM_001037967.4).
Identifiers: ClinVar variation 2664715 (VCV002664715.1), dbSNP rs2519597260, ClinGen allele CA2579753937.